The following is an entry in ClinVar:

ClinVar aggregate classification (germline): Conflicting classifications of pathogenicity. Review status: criteria provided, conflicting classifications (1 of 4 stars). 5 submissions from 5 submitters: Pathogenic (1); Likely pathogenic (3); Uncertain significance (1). Last evaluated 2025-12-31.

Conditions:
Cardiovascular phenotype. Identifiers: MedGen CN230736.
Hereditary cancer-predisposing syndrome. Also called: Tumor predisposition; Hereditary neoplastic syndrome; Hereditary Cancer Syndrome; Neoplastic Syndromes, Hereditary. Identifiers: Orphanet 140162, MedGen C0027672, MeSH D009386, MONDO:0015356.
Juvenile myelomonocytic leukemia (JMML). Also called: LEUKEMIA, JUVENILE MYELOMONOCYTIC, SOMATIC. Identifiers: Orphanet 86834, MedGen C0349639, MONDO:0011908, OMIM 607785, HP:0012209.
Neurofibromatosis, type 1 (NF1). Also called: VON RECKLINGHAUSEN DISEASE; Peripheral type neurofibromatosis; NEUROFIBROMATOSIS, TYPE I, SOMATIC; Neurofibromatosis, type I. Identifiers: Orphanet 636, MedGen C0027831, MONDO:0018975, OMIM 162200. Disease mechanism: loss of function.

Submissions (5):

Myriad Genetics, Inc.
Classification: Likely pathogenic for Neurofibromatosis, type 1. Last evaluated: 2025-12-31. Review status: criteria provided, single submitter. Criteria: Myriad Autosomal Dominant, Autosomal Recessive and X-Linked Classification Criteria (2023). Collection method: clinical testing. Allele origin: unknown.
Comment: This variant is considered likely pathogenic. This variant has been reported in multiple individuals with clinical features of gene-specific disease [PMID: 36612057, 35885913, 30014477]. This variant is expected to disrupt protein structure [Myriad internal data].

Dasa
Classification: Uncertain significance. Last evaluated: 2025-09-18. Review status: criteria provided, single submitter. Criteria: DASA Assertion Criteria. Collection method: clinical testing. Allele origin: germline.
Comment: NM_001042492.3(NF1):c.1595T>G (p.Leu532Arg) is a missense variant that results in the substitution of leucine with arginine. This variant has been recurrently observed in individuals with NF1-related disorders (PMID: 30014477; PMID: 31370276; PMID: 36612057). Also, this variant is absent from population databases. Computational prediction algorithms are consistent with a deleterious effect. The currently available literature and clinical evidence are not sufficient to establish a definitive association between this variant and the reported condition. Therefore, this variant is classified as a variant of uncertain significance.

Baylor Genetics
Classification: Likely pathogenic for Juvenile myelomonocytic leukemia. Last evaluated: 2022-07-19. Review status: criteria provided, single submitter. Criteria: ACMG Guidelines, 2015. Collection method: clinical testing. Allele origin: unknown.

Labcorp Genetics (formerly Invitae), Labcorp
Classification: Pathogenic for Neurofibromatosis, type 1. Last evaluated: 2021-05-12. Review status: criteria provided, single submitter. Criteria: Invitae Variant Classification Sherloc (09022015). Collection method: clinical testing. Allele origin: germline.
Comment: This sequence change replaces leucine with arginine at codon 532 of the NF1 protein (p.Leu532Arg). The leucine residue is moderately conserved and there is a moderate physicochemical difference between leucine and arginine. This variant is not present in population databases (ExAC no frequency). This variant has been observed in individual(s) with clinical features of neurofibromatosis (PMID: 30014477, 31370276, Invitae). In at least one individual the variant was observed to be de novo. ClinVar contains an entry for this variant (Variation ID: 237521). Advanced modeling of protein sequence and biophysical properties (such as structural, functional, and spatial information, amino acid conservation, physicochemical variation, residue mobility, and thermodynamic stability) performed at Invitae indicates that this missense variant is expected to disrupt NF1 protein function. This variant disrupts the p.Leu532 amino acid residue in NF1. Other variant(s) that disrupt this residue have been determined to be pathogenic (Invitae). This suggests that this residue is clinically significant, and that variants that disrupt this residue are likely to be disease-causing. For these reasons, this variant has been classified as Pathogenic.

Ambry Genetics
Classification: Likely pathogenic for Cardiovascular phenotype; Hereditary cancer-predisposing syndrome. Last evaluated: 2018-05-03. Review status: criteria provided, single submitter. Criteria: Ambry Variant Classification Scheme 2023. Collection method: clinical testing. Allele origin: germline.
Comment: The p.L532R variant (also known as c.1595T>G), located in coding exon 14 of the NF1 gene, results from a T to G substitution at nucleotide position 1595. The leucine at codon 532 is replaced by arginine, an amino acid with dissimilar properties. A different amino acid substitution at the same codon (p.L532P) was also identified in an patient affected with NF1 (Mattocks C et al. J. Med. Genet., 2004 Apr;41:e48). This amino acid position is highly conserved in available vertebrate species. In addition, this alteration is predicted to be deleterious by in silico analysis. Based on the majority of available evidence to date, this variant is likely to be pathogenic.

Literature cited by the submitters: PubMed 36612057 (cited by Myriad Genetics, Inc. and Dasa); PubMed 35885913 (cited by Myriad Genetics, Inc.); PubMed 30014477 (cited by 3 submitters); PubMed 31370276 (cited by Dasa and Labcorp Genetics (formerly Invitae), Labcorp).

NM_001042492.3(NF1):c.1595T>G (p.Leu532Arg)

Gene: NF1 (neurofibromin 1; plus strand). Cytogenetic location: 17q11.2.
Variant type: single nucleotide variant.
Coding change: c.1595T>G on transcript NM_001042492.3 (MANE Select); coding-DNA position 1595, T replaced by G.
Protein change: p.Leu532Arg; replaces leucine 532 with arginine.
Molecular consequence: missense variant.
Genome position (GRCh38, 1-based): chr17:31,219,072, T>G. VCF-style: chr17-31219072-T-G. GRCh37 (hg19) VCF-style: chr17-29546090-T-G.
Other names: c.1595T>G, p.Leu532Arg (NM_000267.4, NM_001128147.3); short protein forms L532R.
Identifiers: ClinVar variation 237521 (VCV000237521.11), dbSNP rs199474737, ClinGen allele CA10583475.